The following is an entry in ClinVar:

ClinVar aggregate classification (germline): Likely benign (1 of 4 stars; one submission).

Allele frequency attached by ClinVar (database versions not stated): gnomAD exomes below 0.00001.
gnomAD v4.1: 1 of 1,613,256 alleles (0.000062%); highest among the groups gnomAD compares: South Asian, 0.0011%; no homozygotes.

Submission:

GeneDx
Classification: Likely benign. Last evaluated: 2013-04-30. Review status: criteria provided, single submitter. Criteria: GeneDx Variant Classification (06012015). Collection method: clinical testing. Allele origin: germline. Affected: yes.
Comment: This variant is considered likely benign or benign based on one or more of the following criteria: it is a conservative change, it occurs at a poorly conserved position in the protein, it is predicted to be benign by multiple in silico algorithms, and/or has population frequency not consistent with disease.

NM_000368.5(TSC1):c.-33C>T

Gene: TSC1 (TSC complex subunit 1; minus strand). Cytogenetic location: 9q34.13.
Variant type: single nucleotide variant.
Coding change: c.-33C>T on transcript NM_000368.5 (MANE Select); 33 bases upstream of the start codon, C replaced by T.
Molecular consequence: 5 prime UTR variant.
Genome position (GRCh38, 1-based): chr9:132,928,905, G>A on the plus strand (C>T on the coding strand, the complement: TSC1 is on the minus strand). VCF-style: chr9-132928905-G-A. GRCh37 (hg19) VCF-style: chr9-135804292-G-A.
Other names: c.-33C>T (NM_001162426.2, NM_001162427.2); c.-292C>T (NM_001362177.2).
Identifiers: ClinVar variation 207604 (VCV000207604.1), dbSNP rs796053446, ClinGen allele CA319231.
Genomic context (GRCh38, chr9:132,928,905, plus strand): 5'-GCTCCCCGACATTTGCTTGTTGGGCCATTCTCTCGCTCGAAGGCGCTGTGCTGGCTCCAG[G>A]ACGTGTGCTACAGGTTCTGAAGGTTCTTCATTGGGGCCACTACCAAACTGAGAAAAAGGA-3'